The following is an entry in ClinVar:

ClinVar aggregate classification (germline): Likely benign (0 of 4 stars; one submission).

Conditions:
SASH1-related disorder. Also called: SASH1-related condition.

Allele frequency attached by ClinVar (database versions not stated): ESP Exome Variant Server 0.00008; TOPMed 0.00030; gnomAD 0.00032; ExAC 0.00103; 1000 Genomes Project 0.00120; 1000 Genomes Project 30x 0.00141.
gnomAD v4.1: 357 of 1,576,956 alleles (0.023%); highest among the groups gnomAD compares: East Asian, 0.39%; 1 homozygote.

Submission:

PreventionGenetics, part of Exact Sciences
Classification: Likely benign for SASH1-related condition. Last evaluated: 2019-07-02. Review status: no assertion criteria provided. Collection method: clinical testing. Allele origin: germline.
Comment: This variant is classified as likely benign based on ACMG/AMP sequence variant interpretation guidelines (Richards et al. 2015 PMID: 25741868, with internal and published modifications).

NM_015278.5(SASH1):c.1192G>A (p.Gly398Arg)

Gene: SASH1 (SAM and SH3 domain containing 1; plus strand). Cytogenetic location: 6q25.1.
Variant type: single nucleotide variant.
Coding change: c.1192G>A on transcript NM_015278.5 (MANE Select); coding-DNA position 1192, G replaced by A.
Protein change: p.Gly398Arg; replaces glycine 398 with arginine.
Molecular consequence: missense variant.
Genome position (GRCh38, 1-based): chr6:148,519,876, G>A. VCF-style: chr6-148519876-G-A. GRCh37 (hg19) VCF-style: chr6-148841012-G-A.
Other names: c.1057G>A, p.Gly353Arg (NM_001346505.2); c.820G>A, p.Gly274Arg (NM_001346506.2); c.475G>A, p.Gly159Arg (NM_001346507.2, NM_001346508.2); c.352G>A, p.Gly118Arg (NM_001346509.2); short protein forms G118R, G159R, G274R, G353R, G398R.
Identifiers: ClinVar variation 3042903 (VCV003042903.2), dbSNP rs149965187, ClinGen allele CA4040236.